The following is an entry in ClinVar:

ClinVar aggregate classification (germline): Uncertain significance. Review status: criteria provided, multiple submitters, no conflicts (2 of 4 stars). 2 submissions from 2 submitters: Uncertain significance (2). Last evaluated 2024-12-03.

Conditions:
Inborn genetic diseases. Identifiers: MedGen C0950123, MeSH D030342.

Allele frequency attached by ClinVar (database versions not stated): TOPMed below 0.00001; gnomAD 0.00001.
gnomAD v4.1: 1 of 1,209,082 alleles (0.000083%); highest among the groups gnomAD compares: African/African-American, 0.0018%; no homozygotes.

Submissions (2):

GeneDx
Classification: Uncertain significance. Last evaluated: 2024-12-03. Review status: criteria provided, single submitter. Criteria: GeneDx Variant Classification Process June 2021. Collection method: clinical testing. Allele origin: germline. Affected: yes.
Comment: Not observed at significant frequency in large population cohorts (gnomAD); In silico analysis indicates that this missense variant does not alter protein structure/function; Has not been previously published as pathogenic or benign to our knowledge

Ambry Genetics
Classification: Uncertain significance for Inborn genetic diseases. Last evaluated: 2020-06-15. Review status: criteria provided, single submitter. Criteria: Ambry Variant Classification Scheme 2023. Collection method: clinical testing. Allele origin: germline.
Comment: The p.H37Y variant (also known as c.109C>T), located in coding exon 1 of the ATP7A gene, results from a C to T substitution at nucleotide position 109. The histidine at codon 37 is replaced by tyrosine, an amino acid with similar properties. This amino acid position is well conserved in available vertebrate species; however, tyrosine is the reference amino acid in other vertebrate species. In addition, this alteration is predicted to be tolerated by in silico analysis. Since supporting evidence is limited at this time, the clinical significance of this alteration remains unclear.

NM_000052.7(ATP7A):c.109C>T (p.His37Tyr)

Gene: ATP7A (ATPase copper transporting alpha; plus strand). Cytogenetic location: Xq21.1.
Variant type: single nucleotide variant.
Coding change: c.109C>T on transcript NM_000052.7 (MANE Select); coding-DNA position 109, C replaced by T.
Protein change: p.His37Tyr; replaces histidine 37 with tyrosine.
Molecular consequence: missense variant. On other transcripts: non-coding transcript variant (1).
Genome position (GRCh38, 1-based): chrX:77,971,750, C>T. VCF-style: chrX-77971750-C-T. GRCh37 (hg19) VCF-style: chrX-77227247-C-T.
Other names: c.109C>T, p.His37Tyr (NM_001282224.2); short protein forms H37Y.
Identifiers: ClinVar variation 1791768 (VCV001791768.3), dbSNP rs1300080642, ClinGen allele CA413597848.